The following is an entry in ClinVar:

NM_014967.5(FAN1):c.556T>G (p.Ser186Ala)

Gene: FAN1 (FANCD2 and FANCI associated nuclease 1; plus strand). Cytogenetic location: 15q13.3.
Variant type: single nucleotide variant.
Coding change: c.556T>G on transcript NM_014967.5 (MANE Select); coding-DNA position 556, T replaced by G.
Protein change: p.Ser186Ala; replaces serine 186 with alanine.
Molecular consequence: missense variant.
Genome position (GRCh38, 1-based): chr15:30,905,219, T>G. VCF-style: chr15-30905219-T-G. GRCh37 (hg19) VCF-style: chr15-31197422-T-G.
Other names: c.556T>G, p.Ser186Ala (NM_001146094.2, NM_001146095.1, NM_001146096.2); short protein forms S186A.
Identifiers: ClinVar variation 4278848 (VCV004278848.1).

ClinVar aggregate classification (germline): Uncertain significance (1 of 4 stars; one submission).

Submission:

GeneDx
Classification: Uncertain significance. Last evaluated: 2025-04-04. Review status: criteria provided, single submitter. Criteria: GeneDx Variant Classification Process June 2021. Collection method: clinical testing. Allele origin: germline. Affected: yes.
Comment: Not observed at significant frequency in large population cohorts (gnomAD); In silico analysis indicates that this missense variant does not alter protein structure/function; Has not been previously published as pathogenic or benign to our knowledge